The following is an entry in ClinVar:

ClinVar aggregate classification (germline): Benign/Likely benign. Review status: criteria provided, multiple submitters, no conflicts (2 of 4 stars). 11 submissions from 11 submitters: Benign (7); Likely benign (1). 3 of the submissions do not count toward it. Last evaluated 2026-02-04.

Conditions:
Familial dysautonomia. Also called: FD; HSAN III. Identifiers: Orphanet 1764, MedGen C0013364, MONDO:0009131, OMIM 223900. Disease mechanism: loss of function.

Allele frequency attached by ClinVar (database versions not stated): 1000 Genomes Project 30x 0.31012; 1000 Genomes Project 0.31550; ESP Exome Variant Server 0.33892; TOPMed 0.34087.
gnomAD v4.1: 686,344 of 1,613,932 alleles (43%); highest among the groups gnomAD compares: Non-Finnish European, 45%; 151,477 homozygotes.

Submissions (11):

Labcorp Genetics (formerly Invitae), Labcorp
Classification: Benign. Last evaluated: 2026-02-04. Review status: criteria provided, single submitter. Criteria: Invitae Variant Classification Sherloc (09022015). Collection method: clinical testing. Allele origin: germline.

Blueprint Genetics
Classification: Likely benign. Last evaluated: 2024-11-27. Review status: criteria provided, single submitter. Criteria: ACMG Guidelines, 2015. Collection method: clinical testing. Allele origin: germline.

Mayo Clinic Laboratories, Mayo Clinic
Classification: Benign. Last evaluated: 2022-03-03. Review status: criteria provided, single submitter. Criteria: ACMG Guidelines, 2015. Collection method: clinical testing. Allele origin: germline. Observed: 1,258 variant alleles.

Genome-Nilou Lab
Classification: Benign for Familial dysautonomia. Last evaluated: 2021-07-01. Review status: criteria provided, single submitter. Criteria: ACMG Guidelines, 2015. Collection method: clinical testing. Allele origin: germline. Affected: no.

Illumina Laboratory Services, Illumina
Classification: Benign for Familial dysautonomia. Last evaluated: 2018-01-12. Review status: criteria provided, single submitter. Criteria: ICSL Variant Classification Criteria 13 December 2019. Collection method: clinical testing. Allele origin: germline.
Comment: This variant was observed in the ICSL laboratory as part of a predisposition screen in an ostensibly healthy population. It had not been previously curated by ICSL or reported in the Human Gene Mutation Database (HGMD: prior to June 1st, 2018), and was therefore a candidate for classification through an automated scoring system. Utilizing variant allele frequency, disease prevalence and penetrance estimates, and inheritance mode, an automated score was calculated to assess if this variant is too frequent to cause the disease. Based on the score and internal cut-off values, a variant classified as benign is not then subjected to further curation. The score for this variant resulted in a classification of benign for this disease.

GeneDx
Classification: Benign. Last evaluated: 2015-03-03. Review status: criteria provided, single submitter. Criteria: GeneDx Variant Classification Process June 2021. Collection method: clinical testing. Allele origin: germline. Affected: yes.

Breakthrough Genomics
Classification: Benign. Review status: criteria provided, single submitter. Criteria: ACMG Guidelines, 2015. Collection method: not provided. Allele origin: germline. Inheritance: Autosomal recessive inheritance. Affected: yes.

PreventionGenetics, part of Exact Sciences
Classification: Benign. Review status: criteria provided, single submitter. Criteria: ACMG Guidelines, 2015. Collection method: clinical testing. Allele origin: germline.

Natera, Inc.
Classification: Benign for Familial dysautonomia. Last evaluated: 2017-05-10. Review status: no assertion criteria provided. Collection method: clinical testing. Allele origin: germline. Not counted in ClinVar's aggregate classification.

Clinical Genetics, Academic Medical Center
Classification: Benign. Review status: no assertion criteria provided. Collection method: clinical testing. Allele origin: germline. Affected: yes. Study: VKGL Data-share Consensus. Not counted in ClinVar's aggregate classification.

Diagnostic Laboratory, Department of Genetics, University Medical Center Groningen
Classification: Benign for Familial dysautonomia. Review status: no assertion criteria provided. Collection method: clinical testing. Allele origin: germline. Affected: yes. Study: VKGL Data-share Consensus. Not counted in ClinVar's aggregate classification.

NM_003640.5(ELP1):c.3069G>C (p.Leu1023=)

Gene: ELP1 (elongator acetyltransferase complex subunit 1; minus strand). Cytogenetic location: 9q31.3.
Variant type: single nucleotide variant.
Coding change: c.3069G>C on transcript NM_003640.5 (MANE Select); coding-DNA position 3069, G replaced by C.
Protein change: p.Leu1023=; no amino-acid change (leucine 1023 retained).
Molecular consequence: synonymous variant.
Genome position (GRCh38, 1-based): chr9:108,891,294, C>G on the plus strand (G>C on the coding strand, the complement: ELP1 is on the minus strand). VCF-style: chr9-108891294-C-G. GRCh37 (hg19) VCF-style: chr9-111653574-C-G.
Other names: p.Leu1023=; c.2727G>C, p.Leu909= (NM_001318360.2); c.2022G>C, p.Leu674= (NM_001330749.2); c.3069G>C (LRG_251t1).
Identifiers: ClinVar variation 259111 (VCV000259111.28), dbSNP rs1063110, ClinGen allele CA5174441.
Genomic context (GRCh38, chr9:108,891,294, plus strand): 5'-GTCTTTGGTAAAGTTAAGCTGGGCTGCCACACAGAGGGCTTGCTTCCAGTTGCCACATGT[C>G]AGAAAGGCTGAGAGAGCTTTCTCGTGGGCACCGCAACGGGCAAACATGAGCCCCGCTGGC-3'
Protein context (NP_003631.2, residues 1013-1033): GAHEKALSAF[Leu1023=]TCGNWKQALC